The following is an entry in ClinVar:

NM_014847.4(UBAP2L):c.1366C>A (p.Leu456Met)

Gene: UBAP2L (ubiquitin associated protein 2 like; plus strand). Cytogenetic location: 1q21.3.
Variant type: single nucleotide variant.
Coding change: c.1366C>A on transcript NM_014847.4 (MANE Select); coding-DNA position 1366, C replaced by A.
Protein change: p.Leu456Met; replaces leucine 456 with methionine.
Molecular consequence: missense variant.
Genome position (GRCh38, 1-based): chr1:154,251,193, C>A. VCF-style: chr1-154251193-C-A. GRCh37 (hg19) VCF-style: chr1-154223669-C-A.
Other names: c.1366C>A, p.Leu456Met (NM_001127320.3, NM_001375614.1, NM_001375615.1 and 14 more transcripts); c.1345C>A, p.Leu449Met (NM_001287815.1); c.1399C>A, p.Leu467Met (NM_001287816.1, NM_001330730.1, NM_001375612.1 and 2 more transcripts); short protein forms L449M, L456M, L467M.
Identifiers: ClinVar variation 3378139 (VCV003378139.1).

ClinVar aggregate classification (germline): Uncertain significance (1 of 4 stars; one submission).

Submission:

GeneDx
Classification: Uncertain significance. Last evaluated: 2024-05-06. Review status: criteria provided, single submitter. Criteria: GeneDx Variant Classification Process June 2021. Collection method: clinical testing. Allele origin: germline. Affected: yes.
Comment: Not observed at significant frequency in large population cohorts (gnomAD); In silico analysis indicates that this missense variant does not alter protein structure/function; Has not been previously published as pathogenic or benign to our knowledge